The following is an entry in ClinVar:

NM_001164508.2(NEB):c.3879+20G>T

Gene: NEB (nebulin; minus strand). Cytogenetic location: 2q23.3.
Variant type: single nucleotide variant.
Coding change: c.3879+20G>T on transcript NM_001164508.2 (MANE Select); 20 bases into the intron after coding-DNA position 3879, G replaced by T.
Molecular consequence: intron variant.
Genome position (GRCh38, 1-based): chr2:151,675,267, C>A on the plus strand (G>T on the coding strand, the complement: NEB is on the minus strand). VCF-style: chr2-151675267-C-A. GRCh37 (hg19) VCF-style: chr2-152531781-C-A.
Other names: c.3879+20G>T (NM_004543.5, NM_001164507.2, NM_001271208.2).
Identifiers: ClinVar variation 167337 (VCV000167337.18), dbSNP rs12618063, ClinGen allele CA180216.
Genomic context (GRCh38, chr2:151,675,267, plus strand): 5'-TCAAGGCACCATCCTACTCTTAAAGTCTATAATTTTATTGTCAGGTCCGAATTTCACATC[C>A]CAGCAAAGACCCTACTTACGTCACTTATATTGTAAGCATTGCACTTGGCCTGGAGAAACT-3'

ClinVar aggregate classification (germline): Benign. Review status: criteria provided, multiple submitters, no conflicts (2 of 4 stars). 9 submissions from 8 submitters: Benign (9). Last evaluated 2026-02-04.

Conditions:
Nemaline myopathy 2 (NEM2). Also called: Nemaline myopathy 2, autosomal recessive. Identifiers: MedGen C1850569, MONDO:0009725, OMIM 256030.
Arthrogryposis multiplex congenita 6. Identifiers: MedGen C5543431, MONDO:0030281, OMIM 619334.

Allele frequency attached by ClinVar (database versions not stated): gnomAD exomes 0.13309 and 0.17068; ESP Exome Variant Server 0.16431; gnomAD 0.17493 and 0.18087; TOPMed 0.18397; ExAC 0.25478; 1000 Genomes Project 30x 0.28076; 1000 Genomes Project 0.28774.
gnomAD v4.1: 208,773 of 1,502,142 alleles (14%); highest among the groups gnomAD compares: East Asian, 50%; 20,824 homozygotes.

Submissions (9):

Labcorp Genetics (formerly Invitae), Labcorp
Classification: Benign for Nemaline myopathy 2. Last evaluated: 2026-02-04. Review status: criteria provided, single submitter. Criteria: Invitae Variant Classification Sherloc (09022015). Collection method: clinical testing. Allele origin: germline.

Blueprint Genetics
Classification: Benign. Last evaluated: 2024-11-26. Review status: criteria provided, single submitter. Criteria: ACMG Guidelines, 2015. Collection method: clinical testing. Allele origin: germline.

Genome-Nilou Lab
Classification: Benign for Arthrogryposis multiplex congenita 6. Last evaluated: 2021-07-10. Review status: criteria provided, single submitter. Criteria: ACMG Guidelines, 2015. Collection method: clinical testing. Allele origin: germline. Affected: no.

Genome-Nilou Lab
Classification: Benign for Nemaline myopathy 2. Last evaluated: 2021-07-10. Review status: criteria provided, single submitter. Criteria: ACMG Guidelines, 2015. Collection method: clinical testing. Allele origin: germline. Affected: no.

Women's Health and Genetics/Laboratory Corporation of America, LabCorp
Classification: Benign. Last evaluated: 2017-09-25. Review status: criteria provided, single submitter. Criteria: LabCorp Variant Classification Summary - May 2015. Collection method: clinical testing. Allele origin: germline.
Comment: Variant summary: The NEB c.3879+20G>T variant involves the alteration of a non-conserved intronic nucleotide and 4/5 splice prediction tools predict no significant impact on normal splicing. However, these predictions have yet to be confirmed by functional studies. This variant was found in 35623/207000 control chromosomes (109 homozygotes) at a frequency of 0.1720918, which is approximately 49 times the estimated maximal expected allele frequency of a pathogenic NEB variant (0.0035355), suggesting this variant is likely a benign polymorphism. In addition, multiple clinical diagnostic laboratories/reputable databases classified this variant as benign. The variant of interest has not, to our knowledge, been reported in affected individuals via publications. Taken together, this variant is classified as benign.

GeneDx
Classification: Benign. Last evaluated: 2016-01-28. Review status: criteria provided, single submitter. Criteria: GeneDx Variant Classification (06012015). Collection method: clinical testing. Allele origin: germline. Affected: yes.
Comment: This variant is considered likely benign or benign based on one or more of the following criteria: it is a conservative change, it occurs at a poorly conserved position in the protein, it is predicted to be benign by multiple in silico algorithms, and/or has population frequency not consistent with disease.

Eurofins Ntd Llc (ga)
Classification: Benign. Last evaluated: 2013-11-26. Review status: criteria provided, single submitter. Criteria: EGL Classification Definitions 2015. Collection method: clinical testing. Allele origin: germline. Observed: 1 variant allele, 1 heterozygote.

Breakthrough Genomics
Classification: Benign. Review status: criteria provided, single submitter. Criteria: ACMG Guidelines, 2015. Collection method: not provided. Allele origin: germline. Inheritance: Autosomal recessive inheritance. Affected: yes.

PreventionGenetics, part of Exact Sciences
Classification: Benign. Review status: criteria provided, single submitter. Criteria: ACMG Guidelines, 2015. Collection method: clinical testing. Allele origin: germline.